The following is an entry in ClinVar:

ClinVar aggregate classification (germline): Benign. Review status: criteria provided, multiple submitters, no conflicts (2 of 4 stars). 6 submissions from 6 submitters: Benign (6). Last evaluated 2026-02-04.

Allele frequency attached by ClinVar (database versions not stated): ESP Exome Variant Server 0.21159; gnomAD 0.21415 and 0.21714; TOPMed 0.21478; 1000 Genomes Project 30x 0.21627; 1000 Genomes Project 0.21985; ExAC 0.25464; gnomAD exomes 0.25884 and 0.26401.
gnomAD v4.1: 418,855 of 1,613,638 alleles (26%); highest among the groups gnomAD compares: Middle Eastern, 30%; 56,322 homozygotes.

Submissions (6):

Labcorp Genetics (formerly Invitae), Labcorp
Classification: Benign. Last evaluated: 2026-02-04. Review status: criteria provided, single submitter. Criteria: Invitae Variant Classification Sherloc (09022015). Collection method: clinical testing. Allele origin: germline.

Blueprint Genetics
Classification: Benign. Last evaluated: 2024-11-27. Review status: criteria provided, single submitter. Criteria: ACMG Guidelines, 2015. Collection method: clinical testing. Allele origin: germline.

Unidad de Genómica Garrahan, Hospital de Pediatría Garrahan
Classification: Benign. Last evaluated: 2024-07-15. Review status: criteria provided, single submitter. Criteria: ACMG Guidelines, 2015. Collection method: clinical testing. Allele origin: germline. Affected: no. Observed: 38 variant alleles.
Comment: This variant is classified as Benign based on local population frequency. This variant was detected in 41% of patients studied in a panel designed for Epileptic and Developmental Encephalopathy and Progressive Myoclonus Epilepsy. Number of patients: 38. Only high quality variants are reported.

Mayo Clinic Laboratories, Mayo Clinic
Classification: Benign. Last evaluated: 2022-03-09. Review status: criteria provided, single submitter. Criteria: ACMG Guidelines, 2015. Collection method: clinical testing. Allele origin: germline. Observed: 58 variant alleles.

GeneDx
Classification: Benign. Last evaluated: 2019-10-25. Review status: criteria provided, single submitter. Criteria: GeneDx Variant Classification Process June 2021. Collection method: clinical testing. Allele origin: germline. Affected: yes.

Breakthrough Genomics
Classification: Benign. Review status: criteria provided, single submitter. Criteria: ACMG Guidelines, 2015. Collection method: not provided. Allele origin: germline. Inheritance: Autosomal recessive inheritance. Affected: yes.

NM_020401.4(NUP107):c.1389G>A (p.Gln463=)

Gene: NUP107 (nucleoporin 107; plus strand). Cytogenetic location: 12q15.
Variant type: single nucleotide variant.
Coding change: c.1389G>A on transcript NM_020401.4 (MANE Select); coding-DNA position 1389, G replaced by A.
Protein change: p.Gln463=; no amino-acid change (glutamine 463 retained).
Molecular consequence: synonymous variant.
Genome position (GRCh38, 1-based): chr12:68,721,918, G>A. VCF-style: chr12-68721918-G-A. GRCh37 (hg19) VCF-style: chr12-69115698-G-A.
Other names: p.Gln463=; c.1302G>A, p.Gln434= (NM_001330192.2).
Identifiers: ClinVar variation 1234651 (VCV001234651.16), dbSNP rs17851475, ClinGen allele CA6677760.